The following is an entry in ClinVar:

NM_003072.5(SMARCA4):c.470C>T (p.Ala157Val)

Gene: SMARCA4 (SWI/SNF related BAF chromatin remodeling complex subunit ATPase 4; plus strand). Cytogenetic location: 19p13.2.
Variant type: single nucleotide variant.
Coding change: c.470C>T on transcript NM_003072.5 (MANE Select); coding-DNA position 470, C replaced by T.
Protein change: p.Ala157Val; replaces alanine 157 with valine.
Molecular consequence: missense variant. On other transcripts: non-coding transcript variant (1).
Genome position (GRCh38, 1-based): chr19:10,986,303, C>T. VCF-style: chr19-10986303-C-T. GRCh37 (hg19) VCF-style: chr19-11096979-C-T.
Other names: c.470C>T, p.Ala157Val (NM_001128844.3, NM_001128845.2, NM_001128846.2 and 5 more transcripts); short protein forms A157V.
Identifiers: ClinVar variation 1482213 (VCV001482213.8), dbSNP rs2145775018, ClinGen allele CA404056057.
Genomic context (GRCh38, chr19:10,986,303, plus strand): 5'-GTGGCCCGTCTTCGGGGCCCCAGATGTCTTCCGGGCCAGGAGGTGCCCCGCTGGATGGTG[C>T]TGACCCCCAGGCCTTGGGGCAGCAGAACCGGGGCCCAACCCCATTTAACCAGAACCAGCT-3'
Protein context (NP_003063.2, residues 147-167): SGPGGAPLDG[Ala157Val]DPQALGQQNR

ClinVar aggregate classification (germline): Uncertain significance. Review status: criteria provided, multiple submitters, no conflicts (2 of 4 stars). 2 submissions from 2 submitters: Uncertain significance (2). Last evaluated 2023-07-29.

Conditions:
Rhabdoid tumor predisposition syndrome 2 (RTPS2). Identifiers: Orphanet 231108, Orphanet 69077, MedGen C2750074, MONDO:0013224, OMIM 613325.

Submissions (2):

Baylor Genetics
Classification: Uncertain significance for Rhabdoid tumor predisposition syndrome 2. Last evaluated: 2023-07-29. Review status: criteria provided, single submitter. Criteria: ACMG Guidelines, 2015. Collection method: clinical testing. Allele origin: unknown.

Labcorp Genetics (formerly Invitae), Labcorp
Classification: Uncertain significance for Rhabdoid tumor predisposition syndrome 2. Last evaluated: 2021-04-13. Review status: criteria provided, single submitter. Criteria: Invitae Variant Classification Sherloc (09022015). Collection method: clinical testing. Allele origin: germline.
Comment: In summary, the available evidence is currently insufficient to determine the role of this variant in disease. Therefore, it has been classified as a Variant of Uncertain Significance. Algorithms developed to predict the effect of missense changes on protein structure and function are either unavailable or do not agree on the potential impact of this missense change (SIFT: "Deleterious"; PolyPhen-2: "Benign"; Align-GVGD: "Class C0"). This variant has not been reported in the literature in individuals with SMARCA4-related conditions. This variant is not present in population databases (ExAC no frequency). This sequence change replaces alanine with valine at codon 157 of the SMARCA4 protein (p.Ala157Val). The alanine residue is weakly conserved and there is a small physicochemical difference between alanine and valine.